The following is an entry in ClinVar:

ClinVar aggregate classification (germline): Likely benign (0 of 4 stars; one submission).

Conditions:
CELSR1-related disorder. Also called: CELSR1-related condition.

Allele frequency attached by ClinVar (database versions not stated): gnomAD 0.00002; ExAC 0.00005; TOPMed 0.00005; gnomAD exomes 0.00006.
gnomAD v4.1: 87 of 1,590,102 alleles (0.0055%); highest among the groups gnomAD compares: Admixed American, 0.034%; no homozygotes.

Submission:

PreventionGenetics, part of Exact Sciences
Classification: Likely benign for CELSR1-related condition. Last evaluated: 2019-07-15. Review status: no assertion criteria provided. Collection method: clinical testing. Allele origin: germline.
Comment: This variant is classified as likely benign based on ACMG/AMP sequence variant interpretation guidelines (Richards et al. 2015 PMID: 25741868, with internal and published modifications).

NM_001378328.1(CELSR1):c.8079+9C>T

Gene: CELSR1 (cadherin EGF LAG seven-pass G-type receptor 1; minus strand). Cytogenetic location: 22q13.31.
Variant type: single nucleotide variant.
Coding change: c.8079+9C>T on transcript NM_001378328.1 (MANE Select); 9 bases into the intron after coding-DNA position 8079, C replaced by T.
Molecular consequence: intron variant.
Genome position (GRCh38, 1-based): chr22:46,367,720, G>A on the plus strand (C>T on the coding strand, the complement: CELSR1 is on the minus strand). VCF-style: chr22-46367720-G-A. GRCh37 (hg19) VCF-style: chr22-46763617-G-A.
Other names: c.8079+9C>T (NM_014246.4).
Identifiers: ClinVar variation 3049415 (VCV003049415.2), dbSNP rs756350195, ClinGen allele CA10293011.
Genomic context (GRCh38, chr22:46,367,720, plus strand): 5'-CTTCGCATCACAGCGATGGTGTCACGGCGGCCAGGCAGGGGTCCCGCGGGCAACTCGGCC[G>A]TCACCTACCTGTAAGCCGCTGAAGATGGCGAAGAGGTAGTGAAAGCTCAGTGCATCGCGG-3'